The following is an entry in ClinVar:

ClinVar aggregate classification (germline): Uncertain significance. Review status: criteria provided, multiple submitters, no conflicts (2 of 4 stars). 3 submissions from 3 submitters: Uncertain significance (2). 1 of the submissions does not count toward it. Last evaluated 2024-11-19.

Conditions:
Familial sleep-related hypermotor epilepsy. Also called: Autosomal Dominant Sleep-Related Hypermotor (Hyperkinetic) Epilepsy. Identifiers: Orphanet 98784, MedGen C3696898, MONDO:0000030.
Tobacco use disorder. Identifiers: MedGen C0040336.

Submissions (3):

Blueprint Genetics
Classification: Uncertain significance. Last evaluated: 2024-11-19. Review status: criteria provided, single submitter. Criteria: ACMG Guidelines, 2015. Collection method: clinical testing. Allele origin: germline.

Labcorp Genetics (formerly Invitae), Labcorp
Classification: Uncertain significance. Last evaluated: 2023-09-10. Review status: criteria provided, single submitter. Criteria: Invitae Variant Classification Sherloc (09022015). Collection method: clinical testing. Allele origin: germline.
Comment: This sequence change replaces leucine, which is neutral and non-polar, with phenylalanine, which is neutral and non-polar, at codon 356 of the CHRNA4 protein (p.Leu356Phe). This variant is not present in population databases (gnomAD no frequency). This variant has not been reported in the literature in individuals affected with CHRNA4-related conditions. ClinVar contains an entry for this variant (Variation ID: 98303). Advanced modeling of protein sequence and biophysical properties (such as structural, functional, and spatial information, amino acid conservation, physicochemical variation, residue mobility, and thermodynamic stability) performed at Invitae indicates that this missense variant is not expected to disrupt CHRNA4 protein function. In summary, the available evidence is currently insufficient to determine the role of this variant in disease. Therefore, it has been classified as a Variant of Uncertain Significance.

Psychiatry Genetics Yale University
No classification provided. Review status: no classification provided. Collection method: not provided. Allele origin: somatic. Not counted in ClinVar's aggregate classification.

NM_000744.7(CHRNA4):c.1066C>T (p.Leu356Phe)

Gene: CHRNA4 (cholinergic receptor nicotinic alpha 4 subunit; minus strand). Cytogenetic location: 20q13.33.
Variant type: single nucleotide variant.
Coding change: c.1066C>T on transcript NM_000744.7 (MANE Select); coding-DNA position 1066, C replaced by T.
Protein change: p.Leu356Phe; replaces leucine 356 with phenylalanine.
Molecular consequence: missense variant. On other transcripts: non-coding transcript variant (1).
Genome position (GRCh38, 1-based): chr20:63,350,345, G>A on the plus strand (C>T on the coding strand, the complement: CHRNA4 is on the minus strand). VCF-style: chr20-63350345-G-A. GRCh37 (hg19) VCF-style: chr20-61981697-G-A.
Other names: c.538C>T, p.Leu180Phe (NM_001256573.2); short protein forms L356F, L180F.
Identifiers: ClinVar variation 98303 (VCV000098303.7), dbSNP rs121912265, ClinGen allele CA150386.